The following is an entry in ClinVar:

ClinVar aggregate classification (germline): Likely pathogenic. Review status: criteria provided, multiple submitters, no conflicts (2 of 4 stars). 2 submissions from 2 submitters: Likely pathogenic (2). Last evaluated 2023-09-12.

Submissions (2):

ARUP Laboratories, Molecular Genetics and Genomics, ARUP Laboratories
Classification: Likely pathogenic. Last evaluated: 2023-09-12. Review status: criteria provided, single submitter. Criteria: ARUP Molecular Germline Variant Investigation Process 2024. Collection method: clinical testing. Allele origin: germline.
Comment: The NOTCH3 c.1013G>T; p.Cys338Phe variant is reported in the literature in an individual affected with CADASIL (Abramycheva 2015). This variant is absent from general population databases (Exome Variant Server, Genome Aggregation Database), indicating it is not a common polymorphism. Computational analyses predict that this variant is deleterious (REVEL: 0.996), and other variants at this codon (p.Cys338Arg, p.Cys338Ser) have been reported in individuals with CADASIL and are considered disease-causing (Dotti 2005, Hu 2021). Most pathogenic NOTCH3 variants occur in exons 2-24 and either create or destroy a cysteine residue within an EGF-like domain (Rutten 2014), and thus the p.Cys338Phe variant is consistent with the predominant mechanism of disease in NOTCH3. Based on available information, this variant is considered to be likely pathogenic. References: Abramycheva N et al. New mutations in the Notch3 gene in patients with cerebral autosomal dominant arteriopathy with subcortical infarcts and leucoencephalopathy (CADASIL). J Neurol Sci. 2015 Feb 15;349(1-2):196-201. PMID: 25623805. Dotti MT et al. The spectrum of Notch3 mutations in 28 Italian CADASIL families. J Neurol Neurosurg Psychiatry. 2005 May;76(5):736-8. PMID: 15834039. Hu Y et al. NOTCH3 Variants and Genotype-Phenotype Features in Chinese CADASIL Patients. Front Genet. 2021 Jul 15;12:705284. PMID: 34335700. Rutten JW et al. Interpretation of NOTCH3 mutations in the diagnosis of CADASIL. Expert Rev Mol Diagn. 2014 Jun;14(5):593-603. PMID: 24844136.

Labcorp Genetics (formerly Invitae), Labcorp
Classification: Likely pathogenic. Last evaluated: 2023-06-17. Review status: criteria provided, single submitter. Criteria: Invitae Variant Classification Sherloc (09022015). Collection method: clinical testing. Allele origin: germline.
Comment: This variant disrupts the p.Cys338 amino acid residue in NOTCH3. Other variant(s) that disrupt this residue have been observed in individuals with NOTCH3-related conditions (PMID: 15834039, 34335700), which suggests that this may be a clinically significant amino acid residue. In summary, the currently available evidence indicates that the variant is pathogenic, but additional data are needed to prove that conclusively. Therefore, this variant has been classified as Likely Pathogenic. Advanced modeling of protein sequence and biophysical properties (such as structural, functional, and spatial information, amino acid conservation, physicochemical variation, residue mobility, and thermodynamic stability) performed at Invitae indicates that this missense variant is expected to disrupt NOTCH3 protein function. This missense change has been observed in individual(s) with clinical features of CADASIL (PMID: 25623805). This variant is not present in population databases (gnomAD no frequency). This sequence change replaces cysteine, which is neutral and slightly polar, with phenylalanine, which is neutral and non-polar, at codon 338 of the NOTCH3 protein (p.Cys338Phe).

Literature cited by the submitters: PubMed 15834039 (cited by Labcorp Genetics (formerly Invitae), Labcorp); PubMed 34335700 (cited by Labcorp Genetics (formerly Invitae), Labcorp); PubMed 25623805 (cited by Labcorp Genetics (formerly Invitae), Labcorp).

NM_000435.3(NOTCH3):c.1013G>T (p.Cys338Phe)

Gene: NOTCH3 (notch receptor 3; minus strand). Cytogenetic location: 19p13.12.
Variant type: single nucleotide variant.
Coding change: c.1013G>T on transcript NM_000435.3 (MANE Select); coding-DNA position 1013, G replaced by T.
Protein change: p.Cys338Phe; replaces cysteine 338 with phenylalanine.
Molecular consequence: missense variant.
Genome position (GRCh38, 1-based): chr19:15,191,447, C>A on the plus strand (G>T on the coding strand, the complement: NOTCH3 is on the minus strand). VCF-style: chr19-15191447-C-A. GRCh37 (hg19) VCF-style: chr19-15302258-C-A.
Other names: short protein forms C338F.
Identifiers: ClinVar variation 2736834 (VCV002736834.4), dbSNP rs2512664250, ClinGen allele CA404530780.